The following is an entry in ClinVar:

NM_138694.4(PKHD1):c.9665A>G (p.His3222Arg)

Gene: PKHD1 (PKHD1 ciliary IPT domain containing fibrocystin/polyductin; minus strand). Cytogenetic location: 6p12.3.
Variant type: single nucleotide variant.
Coding change: c.9665A>G on transcript NM_138694.4 (MANE Select); coding-DNA position 9665, A replaced by G.
Protein change: p.His3222Arg; replaces histidine 3222 with arginine.
Molecular consequence: missense variant.
Genome position (GRCh38, 1-based): chr6:51,747,951, T>C on the plus strand (A>G on the coding strand, the complement: PKHD1 is on the minus strand). VCF-style: chr6-51747951-T-C. GRCh37 (hg19) VCF-style: chr6-51612749-T-C.
Other names: c.9665A>G (NM_138694.3); c.9665A>G, p.His3222Arg (NM_170724.3); short protein forms H3222R.
Identifiers: ClinVar variation 1442218 (VCV001442218.8), dbSNP rs777989032, ClinGen allele CA3851354.

ClinVar aggregate classification (germline): Conflicting classifications of pathogenicity. Review status: criteria provided, conflicting classifications (1 of 4 stars). 4 submissions from 4 submitters: Uncertain significance (3); Likely benign (1). Last evaluated 2026-04-15.

Conditions:
PKHD1-related disorder. Also called: PKHD1-related condition.
Polycystic kidney disease 4 (PKD4). Also called: POLYCYSTIC KIDNEY AND HEPATIC DISEASE 1; POLYCYSTIC KIDNEY DISEASE, INFANTILE, TYPE I; POLYCYSTIC KIDNEY DISEASE 4 WITH OR WITHOUT POLYCYSTIC LIVER DISEASE; Autosomal Recessive Polycystic Kidney Disease – PKHD1; PKD3. Identifiers: MedGen C4540575, MONDO:0033004, OMIM 263200.
Inborn genetic diseases. Identifiers: MedGen C0950123, MeSH D030342.
Autosomal recessive polycystic kidney disease (ARPKD). Also called: AR polycystic kidney disease. Identifiers: Orphanet 731, Orphanet 8378, MedGen C0085548, MeSH D017044, MONDO:0009889.

Allele frequency attached by ClinVar (database versions not stated): ExAC 0.00001; gnomAD exomes 0.00001; gnomAD 0.00006; TOPMed 0.00006.
gnomAD v4.1: 18 of 1,613,910 alleles (0.0011%); highest among the groups gnomAD compares: African/African-American, 0.023%; no homozygotes.

Submissions (4):

PreventionGenetics, part of Exact Sciences
Classification: Uncertain significance for PKHD1-related condition. Last evaluated: 2026-04-15. Review status: criteria provided, single submitter. Criteria: ACMG Guidelines, 2015. Collection method: clinical testing. Allele origin: germline.
Comment: The PKHD1 c.9665A>G variant is predicted to result in the amino acid substitution p.His3222Arg. To our knowledge, this variant has not been reported in the literature. This variant is reported in 0.024% of alleles in individuals of African descent in gnomAD. At this time, the clinical significance of this variant is uncertain due to the absence of conclusive functional and genetic evidence.

Fulgent Genetics
Classification: Uncertain significance for Polycystic kidney disease 4. Last evaluated: 2024-05-10. Review status: criteria provided, single submitter. Criteria: ACMG Guidelines, 2015. Collection method: clinical testing. Allele origin: germline.

Ambry Genetics
Classification: Likely benign for Inborn genetic diseases. Last evaluated: 2024-02-05. Review status: criteria provided, single submitter. Criteria: Ambry Variant Classification Scheme 2023. Collection method: clinical testing. Allele origin: germline.

Labcorp Genetics (formerly Invitae), Labcorp
Classification: Uncertain significance for Autosomal recessive polycystic kidney disease. Last evaluated: 2021-08-30. Review status: criteria provided, single submitter. Criteria: Invitae Variant Classification Sherloc (09022015). Collection method: clinical testing. Allele origin: germline.
Comment: This sequence change replaces histidine with arginine at codon 3222 of the PKHD1 protein (p.His3222Arg). The histidine residue is weakly conserved and there is a small physicochemical difference between histidine and arginine. This variant is present in population databases (rs777989032, ExAC 0.01%). This variant has not been reported in the literature in individuals affected with PKHD1-related conditions. Algorithms developed to predict the effect of missense changes on protein structure and function output the following: SIFT: "Tolerated"; PolyPhen-2: "Benign"; Align-GVGD: "Class C0". The arginine amino acid residue is found in multiple mammalian species, which suggests that this missense change does not adversely affect protein function. In summary, the available evidence is currently insufficient to determine the role of this variant in disease. Therefore, it has been classified as a Variant of Uncertain Significance.